The following is an entry in ClinVar:

ClinVar aggregate classification (germline): Conflicting classifications of pathogenicity. Review status: criteria provided, conflicting classifications (1 of 4 stars). 2 submissions from 2 submitters: Uncertain significance (1); Likely benign (1). Last evaluated 2025-10-23.

Conditions:
Hereditary cancer-predisposing syndrome. Also called: Neoplastic Syndromes, Hereditary; Tumor predisposition; Hereditary Cancer Syndrome; Hereditary neoplastic syndrome. Identifiers: Orphanet 140162, MedGen C0027672, MeSH D009386, MONDO:0015356.
Familial cancer of breast. Also called: BREAST CANCER, FAMILIAL; Hereditary breast cancer; hereditary breast carcinoma. Identifiers: Orphanet 227535, MedGen C0346153, MONDO:0016419, OMIM 114480. Disease mechanism: loss of function.

Submissions (2):

Ambry Genetics
Classification: Likely benign for Hereditary cancer-predisposing syndrome. Last evaluated: 2025-10-23. Review status: criteria provided, single submitter. Criteria: Ambry Variant Classification Scheme 2023. Collection method: clinical testing. Allele origin: germline.

Labcorp Genetics (formerly Invitae), Labcorp
Classification: Uncertain significance for Familial cancer of breast. Last evaluated: 2025-05-19. Review status: criteria provided, single submitter. Criteria: Invitae Variant Classification Sherloc (09022015). Collection method: clinical testing. Allele origin: germline.
Comment: This sequence change replaces serine, which is neutral and polar, with arginine, which is basic and polar, at codon 981 of the PALB2 protein (p.Ser981Arg). This variant is not present in population databases (gnomAD no frequency). This variant has not been reported in the literature in individuals affected with PALB2-related conditions. An algorithm developed to predict the effect of missense changes on protein structure and function outputs the following: PolyPhen-2: "Benign". The arginine amino acid residue is found in multiple mammalian species, which suggests that this missense change does not adversely affect protein function. In summary, the available evidence is currently insufficient to determine the role of this variant in disease. Therefore, it has been classified as a Variant of Uncertain Significance.

NM_024675.4(PALB2):c.2943T>A (p.Ser981Arg)

Gene: PALB2 (partner and localizer of BRCA2; minus strand). Cytogenetic location: 16p12.2.
Variant type: single nucleotide variant.
Coding change: c.2943T>A on transcript NM_024675.4 (MANE Select); coding-DNA position 2943, T replaced by A.
Protein change: p.Ser981Arg; replaces serine 981 with arginine.
Molecular consequence: missense variant. On other transcripts: intron variant (1).
Genome position (GRCh38, 1-based): chr16:23,623,022, A>T on the plus strand (T>A on the coding strand, the complement: PALB2 is on the minus strand). VCF-style: chr16-23623022-A-T. GRCh37 (hg19) VCF-style: chr16-23634343-A-T.
Other names: c.2781T>A, p.Ser927Arg (NM_001407298.1, NM_001407302.1); c.2943T>A, p.Ser981Arg (NM_001407299.1, NM_001407301.1); c.2058T>A, p.Ser686Arg (NM_001407304.1, NM_001407305.1, NM_001407306.1 and 4 more transcripts); c.1896T>A, p.Ser632Arg (NM_001407307.1); c.1155T>A, p.Ser385Arg (NM_001407312.1, NM_001407313.1); c.477T>A, p.Ser159Arg (NM_001407314.1); c.2834+987T>A (NM_001407300.1); c.2883T>A, p.Ser961Arg (NM_001407296.1); and 1 more; short protein forms S385R, S686R, S957R, S981R, S159R, S632R, S927R, S961R.
Identifiers: ClinVar variation 4663799 (VCV004663799.2).
Genomic context (GRCh38, chr16:23,623,022, plus strand): 5'-TTCTTACCCTCCATCTTCTGCAAACGTCATGACTTCTACTTGTTGATCAGAAAGGGTCCC[A>T]CTGCTACTAACTAGCCTCCTCTTTGTCAGGCCAAGCACAGCTTTTATATTTCCAGACTTC-3'
Protein context (NP_078951.2, residues 971-991): GLTKRRLVSS[Ser981Arg]GTLSDQQVEV